The following is an entry in ClinVar:

ClinVar aggregate classification (germline): Benign (1 of 4 stars; one submission).

Allele frequency attached by ClinVar (database versions not stated): 1000 Genomes Project 30x 0.05856; 1000 Genomes Project 0.05871; TOPMed 0.09278; gnomAD 0.10439 and 0.10514.
gnomAD v4.1: 15,896 of 152,294 alleles (10%); highest among the groups gnomAD compares: Non-Finnish European, 15%; 1,116 homozygotes.

Submission:

GeneDx
Classification: Benign. Last evaluated: 2018-06-18. Review status: criteria provided, single submitter. Criteria: GeneDx Variant Classification (06012015). Collection method: clinical testing. Allele origin: germline. Affected: yes.
Comment: This variant is considered likely benign or benign based on one or more of the following criteria: it is a conservative change, it occurs at a poorly conserved position in the protein, it is predicted to be benign by multiple in silico algorithms, and/or has population frequency not consistent with disease.

NM_001347721.2(DYRK1A):c.11-226T>A

Gene: DYRK1A (dual specificity tyrosine phosphorylation regulated kinase 1A; plus strand). Cytogenetic location: 21q22.13.
Variant type: single nucleotide variant.
Coding change: c.11-226T>A on transcript NM_001347721.2 (MANE Select); 226 bases into the intron before coding-DNA position 11, T replaced by A.
Molecular consequence: intron variant.
Genome position (GRCh38, 1-based): chr21:37,472,458, T>A. VCF-style: chr21-37472458-T-A. GRCh37 (hg19) VCF-style: chr21-38844760-T-A.
Other names: c.11-226T>A (NM_001396.5, NM_001347722.2, NM_101395.2 and 2 more transcripts); c.-77-226T>A (NM_001347723.2).
Identifiers: ClinVar variation 681714 (VCV000681714.1), dbSNP rs17229402, ClinGen allele CA14915036.
Genomic context (GRCh38, chr21:37,472,458, plus strand): 5'-AATCTCGTAGGTGAAAGTAAGTCTTAAAGGTTGTTGCTGTTGCTTTACAAAAAGATTTTC[T>A]GAAGATTTTCTCAATACAAGTTTATATTCATTTTAATCACTATGGATCTTCTATACCATT-3'